The following is an entry in ClinVar:

ClinVar aggregate classification (germline): Uncertain significance (1 of 4 stars; one submission).

Submission:

Labcorp Genetics (formerly Invitae), Labcorp
Classification: Uncertain significance. Last evaluated: 2025-09-28. Review status: criteria provided, single submitter. Criteria: Invitae Variant Classification Sherloc (09022015). Collection method: clinical testing. Allele origin: germline.
Comment: This sequence change replaces lysine, which is basic and polar, with glutamic acid, which is acidic and polar, at codon 627 of the TOPORS protein (p.Lys627Glu). This variant is present in population databases (no rsID available, gnomAD 0.0009%). This variant has not been reported in the literature in individuals affected with TOPORS-related conditions. ClinVar contains an entry for this variant (Variation ID: 3687700). Experimental studies and prediction algorithms are not available or were not evaluated, and the functional significance of this variant is currently unknown. In summary, the available evidence is currently insufficient to determine the role of this variant in disease. Therefore, it has been classified as a Variant of Uncertain Significance.

NM_005802.5(TOPORS):c.1879A>G (p.Lys627Glu)

Gene: TOPORS (TOP1 binding arginine/serine rich protein, E3 ubiquitin ligase; minus strand). Cytogenetic location: 9p21.1.
Variant type: single nucleotide variant.
Coding change: c.1879A>G on transcript NM_005802.5 (MANE Select); coding-DNA position 1879, A replaced by G.
Protein change: p.Lys627Glu; replaces lysine 627 with glutamic acid.
Molecular consequence: missense variant.
Genome position (GRCh38, 1-based): chr9:32,542,646, T>C on the plus strand (A>G on the coding strand, the complement: TOPORS is on the minus strand). VCF-style: chr9-32542646-T-C. GRCh37 (hg19) VCF-style: chr9-32542644-T-C.
Other names: c.1684A>G, p.Lys562Glu (NM_001195622.2); short protein forms K627E, K562E.
Identifiers: ClinVar variation 3687700 (VCV003687700.2).